The following is an entry in ClinVar:

NM_000069.3(CACNA1S):c.4798-7C>T

Gene: CACNA1S (calcium voltage-gated channel subunit alpha1 S; minus strand). Cytogenetic location: 1q32.1.
Variant type: single nucleotide variant.
Coding change: c.4798-7C>T on transcript NM_000069.3 (MANE Select); 7 bases into the intron before coding-DNA position 4798, C replaced by T.
Molecular consequence: intron variant.
Genome position (GRCh38, 1-based): chr1:201,043,538, G>A on the plus strand (C>T on the coding strand, the complement: CACNA1S is on the minus strand). VCF-style: chr1-201043538-G-A. GRCh37 (hg19) VCF-style: chr1-201012666-G-A.
Identifiers: ClinVar variation 1120761 (VCV001120761.10), dbSNP rs753513483, ClinGen allele CA083597.

ClinVar aggregate classification (germline): Likely benign. Review status: criteria provided, multiple submitters, no conflicts (2 of 4 stars). 2 submissions from 2 submitters: Likely benign (2). Last evaluated 2024-01-24.

Conditions:
Malignant hyperthermia, susceptibility to, 5 (MHS5). Also called: CACNA1S-Related Malignant Hyperthermia Susceptibility. Identifiers: Orphanet 423, MedGen C1866077, MONDO:0011163, OMIM 601887.
Hypokalemic periodic paralysis, type 1. Also called: HypoPP; Hypokalemic Periodic Paralysis Type 1 (AD). Identifiers: Orphanet 681, MedGen C3714580, MONDO:0042979, OMIM 170400.

gnomAD v4.1: 22 of 1,613,850 alleles (0.0014%); highest among the groups gnomAD compares: South Asian, 0.02%; no homozygotes.

Submissions (2):

Labcorp Genetics (formerly Invitae), Labcorp
Classification: Likely benign for Hypokalemic periodic paralysis, type 1; Malignant hyperthermia, susceptibility to, 5. Last evaluated: 2024-01-24. Review status: criteria provided, single submitter. Criteria: Invitae Variant Classification Sherloc (09022015). Collection method: clinical testing. Allele origin: germline.

All of Us Research Program, National Institutes of Health
Classification: Likely benign for Malignant hyperthermia, susceptibility to, 5. Last evaluated: 2023-08-15. Review status: criteria provided, single submitter. Criteria: ACMG Guidelines, 2015. Collection method: clinical testing. Allele origin: germline. Inheritance: Autosomal dominant inheritance. Observed: 2 variant alleles, 2 heterozygotes.
Comment: This study involves interpretation of variants in research participants for the purpose of population health screening. Participant phenotype was not available at the time of variant classification. Additional details can be found in publication PMID: 35346344, PMCID: PMC8962531